The following is an entry in ClinVar:

ClinVar aggregate classification (germline): Uncertain significance. Review status: criteria provided, multiple submitters, no conflicts (2 of 4 stars). 3 submissions from 3 submitters: Uncertain significance (3). Last evaluated 2024-04-19.

Conditions:
Donnai-Barrow syndrome. Also called: DBS/FOAR SYNDROME; FACIOOCULOACOUSTICORENAL SYNDROME. Identifiers: Orphanet 2143, MedGen C1857277, MONDO:0009104, OMIM 222448.

Allele frequency attached by ClinVar (database versions not stated): ESP Exome Variant Server 0.00008; 1000 Genomes Project 30x 0.00016; 1000 Genomes Project 0.00020.
gnomAD v4.1: 46 of 1,613,942 alleles (0.0029%); highest among the groups gnomAD compares: Non-Finnish European, 0.0033%; no homozygotes.

Submissions (3):

Fulgent Genetics
Classification: Uncertain significance for Donnai-Barrow syndrome. Last evaluated: 2024-04-19. Review status: criteria provided, single submitter. Criteria: ACMG Guidelines, 2015. Collection method: clinical testing. Allele origin: germline.

Labcorp Genetics (formerly Invitae), Labcorp
Classification: Uncertain significance. Last evaluated: 2022-02-24. Review status: criteria provided, single submitter. Criteria: Invitae Variant Classification Sherloc (09022015). Collection method: clinical testing. Allele origin: germline.
Comment: This sequence change replaces threonine, which is neutral and polar, with methionine, which is neutral and non-polar, at codon 3401 of the LRP2 protein (p.Thr3401Met). This variant is present in population databases (rs200563635, gnomAD 0.007%). This variant has not been reported in the literature in individuals affected with LRP2-related conditions. Algorithms developed to predict the effect of missense changes on protein structure and function (SIFT, PolyPhen-2, Align-GVGD) all suggest that this variant is likely to be disruptive. In summary, the available evidence is currently insufficient to determine the role of this variant in disease. Therefore, it has been classified as a Variant of Uncertain Significance.

Blueprint Genetics
Classification: Uncertain significance. Last evaluated: 2018-08-21. Review status: criteria provided, single submitter. Criteria: ACMG Guidelines, 2015. Collection method: clinical testing. Allele origin: germline.

NM_004525.3(LRP2):c.10202C>T (p.Thr3401Met)

Gene: LRP2 (LDL receptor related protein 2; minus strand). Cytogenetic location: 2q31.1.
Variant type: single nucleotide variant.
Coding change: c.10202C>T on transcript NM_004525.3 (MANE Select); coding-DNA position 10202, C replaced by T.
Protein change: p.Thr3401Met; replaces threonine 3401 with methionine.
Molecular consequence: missense variant.
Genome position (GRCh38, 1-based): chr2:169,177,994, G>A on the plus strand (C>T on the coding strand, the complement: LRP2 is on the minus strand). VCF-style: chr2-169177994-G-A. GRCh37 (hg19) VCF-style: chr2-170034504-G-A.
Other names: short protein forms T3401M.
Identifiers: ClinVar variation 1486016 (VCV001486016.5), dbSNP rs200563635, ClinGen allele CA1953400.